The following is an entry in ClinVar:

ClinVar aggregate classification (germline): Conflicting classifications of pathogenicity. Review status: criteria provided, conflicting classifications (1 of 4 stars). 2 submissions from 2 submitters: Likely pathogenic (1); Uncertain significance (1). Last evaluated 2023-08-27.

Conditions:
Seizures, benign familial infantile, 3 (BFIS3). Also called: CONVULSIONS, BENIGN FAMILIAL INFANTILE, 3; Familial neonatal seizures. Identifiers: Orphanet 140927, Orphanet 306, MedGen C1843140, MONDO:0011904, OMIM 607745.
Developmental and epileptic encephalopathy, 11 (DEE11). Also called: Early infantile epileptic encephalopathy 11. Identifiers: Orphanet 1934, MedGen C3150987, MONDO:0013388, OMIM 613721.

Allele frequency attached by ClinVar (database versions not stated): gnomAD exomes below 0.00001 and 0.00001; ExAC 0.00001.
gnomAD v4.1: 10 of 1,614,038 alleles (0.00062%); highest among the groups gnomAD compares: East Asian, 0.0045%; no homozygotes.

Submissions (2):

Labcorp Genetics (formerly Invitae), Labcorp
Classification: Uncertain significance for Seizures, benign familial infantile, 3; Developmental and epileptic encephalopathy, 11. Last evaluated: 2023-08-27. Review status: criteria provided, single submitter. Criteria: Invitae Variant Classification Sherloc (09022015). Collection method: clinical testing. Allele origin: germline.
Comment: This sequence change replaces arginine, which is basic and polar, with cysteine, which is neutral and slightly polar, at codon 41 of the SCN2A protein (p.Arg41Cys). This variant is not present in population databases (gnomAD no frequency). This variant has not been reported in the literature in individuals affected with SCN2A-related conditions. ClinVar contains an entry for this variant (Variation ID: 1685435). Advanced modeling of protein sequence and biophysical properties (such as structural, functional, and spatial information, amino acid conservation, physicochemical variation, residue mobility, and thermodynamic stability) has been performed at Invitae for this missense variant, however the output from this modeling did not meet the statistical confidence thresholds required to predict the impact of this variant on SCN2A protein function. In summary, the available evidence is currently insufficient to determine the role of this variant in disease. Therefore, it has been classified as a Variant of Uncertain Significance.

Mendelics
Classification: Likely pathogenic for Seizures, benign familial infantile, 3. Last evaluated: 2022-05-04. Review status: criteria provided, single submitter. Criteria: Mendelics Assertion Criteria 2019. Collection method: clinical testing. Allele origin: germline.

NM_001040142.2(SCN2A):c.121C>T (p.Arg41Cys)

Gene: SCN2A (sodium voltage-gated channel alpha subunit 2; plus strand). Cytogenetic location: 2q24.3.
Variant type: single nucleotide variant.
Coding change: c.121C>T on transcript NM_001040142.2 (MANE Select); coding-DNA position 121, C replaced by T.
Protein change: p.Arg41Cys; replaces arginine 41 with cysteine.
Molecular consequence: missense variant.
Genome position (GRCh38, 1-based): chr2:165,295,944, C>T. VCF-style: chr2-165295944-C-T. GRCh37 (hg19) VCF-style: chr2-166152454-C-T.
Other names: c.121C>T, p.Arg41Cys (NM_001040143.2, NM_001371246.1, NM_001371247.1 and 1 more transcripts); short protein forms R41C.
Identifiers: ClinVar variation 1685435 (VCV001685435.6), dbSNP rs747086776, ClinGen allele CA1939550.